The following is an entry in ClinVar:

ClinVar aggregate classification (germline): Uncertain significance. Review status: criteria provided, multiple submitters, no conflicts (2 of 4 stars). 2 submissions from 2 submitters: Uncertain significance (2). Last evaluated 2024-04-08.

Conditions:
Inborn genetic diseases. Identifiers: MedGen C0950123, MeSH D030342.

Allele frequency attached by ClinVar (database versions not stated): gnomAD 0.00003; TOPMed 0.00005.
gnomAD v4.1: 29 of 1,614,078 alleles (0.0018%); highest among the groups gnomAD compares: East Asian, 0.06%; no homozygotes.

Submissions (2):

Ambry Genetics
Classification: Uncertain significance for Inborn genetic diseases. Last evaluated: 2024-04-08. Review status: criteria provided, single submitter. Criteria: Ambry Variant Classification Scheme 2023. Collection method: clinical testing. Allele origin: germline.

Labcorp Genetics (formerly Invitae), Labcorp
Classification: Uncertain significance. Last evaluated: 2023-07-17. Review status: criteria provided, single submitter. Criteria: Invitae Variant Classification Sherloc (09022015). Collection method: clinical testing. Allele origin: germline.
Comment: This variant has not been reported in the literature in individuals affected with CENPJ-related conditions. This variant is present in population databases (rs780864883, gnomAD 0.1%). This sequence change replaces glutamic acid, which is acidic and polar, with glycine, which is neutral and non-polar, at codon 1262 of the CENPJ protein (p.Glu1262Gly). ClinVar contains an entry for this variant (Variation ID: 2185634). In summary, the available evidence is currently insufficient to determine the role of this variant in disease. Therefore, it has been classified as a Variant of Uncertain Significance. Advanced modeling of protein sequence and biophysical properties (such as structural, functional, and spatial information, amino acid conservation, physicochemical variation, residue mobility, and thermodynamic stability) performed at Invitae indicates that this missense variant is expected to disrupt CENPJ protein function.

NM_018451.5(CPAP):c.3785A>G (p.Glu1262Gly)

Genes: CPAP (centrosome assembly and centriole elongation protein; minus strand), RNF17 (ring finger protein 17; plus strand). Cytogenetic location: 13q12.12.
Variant type: single nucleotide variant.
Coding change: c.3785A>G on transcript NM_018451.5 (MANE Select); coding-DNA position 3785, A replaced by G.
Protein change: p.Glu1262Gly; replaces glutamic acid 1262 with glycine.
Molecular consequence: missense variant. On other transcripts: non-coding transcript variant (2).
Genome position (GRCh38, 1-based): chr13:24,884,002, T>C on the plus strand (A>G on the coding strand, the complement: CPAP is on the minus strand). VCF-style: chr13-24884002-T-C. GRCh37 (hg19) VCF-style: chr13-25458140-T-C.
Other names: c.3785A>G (NM_018451.3); short protein forms E1262G.
Identifiers: ClinVar variation 2185634 (VCV002185634.5), dbSNP rs780864883, ClinGen allele CA6919155.